The following is an entry in ClinVar:

NM_024685.4(BBS10):c.440A>G (p.Gln147Arg)

Gene: BBS10 (Bardet-Biedl syndrome 10; minus strand). Cytogenetic location: 12q21.2.
Variant type: single nucleotide variant.
Coding change: c.440A>G on transcript NM_024685.4 (MANE Select); coding-DNA position 440, A replaced by G.
Protein change: p.Gln147Arg; replaces glutamine 147 with arginine.
Molecular consequence: missense variant.
Genome position (GRCh38, 1-based): chr12:76,347,545, T>C on the plus strand (A>G on the coding strand, the complement: BBS10 is on the minus strand). VCF-style: chr12-76347545-T-C. GRCh37 (hg19) VCF-style: chr12-76741325-T-C.
Other names: c.440A>G, p.Gln147Arg (LRG_1255t1); short protein forms Q147R.
Identifiers: ClinVar variation 406223 (VCV000406223.22), dbSNP rs140585012, ClinGen allele CA6694345.

ClinVar aggregate classification (germline): Conflicting classifications of pathogenicity. Review status: criteria provided, conflicting classifications (1 of 4 stars). 7 submissions from 7 submitters: Uncertain significance (2); Likely benign (3). 2 of the submissions do not count toward it. Last evaluated 2026-01-15.

Conditions:
BBS10-related ciliopathy. Identifiers: MedGen CN375912, MONDO:0700237.
BBS10-related disorder. Also called: BBS10-related condition.
Bardet-Biedl syndrome (BBS). Identifiers: Orphanet 110, MedGen C0752166, MONDO:0015229.
Bardet-Biedl syndrome 10 (BBS10). Identifiers: Orphanet 110, MedGen C1859568, MONDO:0014438, OMIM 615987.

Allele frequency attached by ClinVar (database versions not stated): gnomAD 0.00006 and 0.00007; ESP Exome Variant Server 0.00008; gnomAD exomes 0.00009 and 0.00017; TOPMed 0.00009; ExAC 0.00012.

Submissions (7):

Labcorp Genetics (formerly Invitae), Labcorp
Classification: Likely benign for Bardet-Biedl syndrome. Last evaluated: 2026-01-15. Review status: criteria provided, single submitter. Criteria: Invitae Variant Classification Sherloc (09022015). Collection method: clinical testing. Allele origin: germline.

Blueprint Genetics
Classification: Likely benign. Last evaluated: 2024-08-29. Review status: criteria provided, single submitter. Criteria: ACMG Guidelines, 2015. Collection method: clinical testing. Allele origin: germline.

Fulgent Genetics
Classification: Likely benign for Bardet-Biedl syndrome 10. Last evaluated: 2024-03-08. Review status: criteria provided, single submitter. Criteria: ACMG Guidelines, 2015. Collection method: clinical testing. Allele origin: germline.

Department of Pathology and Laboratory Medicine, Sinai Health System
Classification: Uncertain significance for BBS10-related ciliopathy. Last evaluated: 2020-05-30. Review status: criteria provided, single submitter. Criteria: ACMG Guidelines, 2015. Collection method: research. Allele origin: germline.

Illumina Laboratory Services, Illumina
Classification: Uncertain significance for Bardet-Biedl syndrome 10. Last evaluated: 2018-01-12. Review status: criteria provided, single submitter. Criteria: ICSL Variant Classification Criteria 13 December 2019. Collection method: clinical testing. Allele origin: germline.

PreventionGenetics, part of Exact Sciences
Classification: Likely benign for BBS10-related condition. Last evaluated: 2019-11-22. Review status: no assertion criteria provided. Collection method: clinical testing. Allele origin: germline. Not counted in ClinVar's aggregate classification.
Comment: This variant is classified as likely benign based on ACMG/AMP sequence variant interpretation guidelines (Richards et al. 2015 PMID: 25741868, with internal and published modifications).

Natera, Inc.
Classification: Likely benign for Bardet-Biedl syndrome type 10. Last evaluated: 2019-10-28. Review status: no assertion criteria provided. Collection method: clinical testing. Allele origin: germline. Not counted in ClinVar's aggregate classification.